The following is an entry in ClinVar:

NM_020433.5(JPH2):c.316T>C (p.Tyr106His)

Gene: JPH2 (junctophilin 2; minus strand). Cytogenetic location: 20q13.12.
Variant type: single nucleotide variant.
Coding change: c.316T>C on transcript NM_020433.5 (MANE Select); coding-DNA position 316, T replaced by C.
Protein change: p.Tyr106His; replaces tyrosine 106 with histidine.
Molecular consequence: missense variant.
Genome position (GRCh38, 1-based): chr20:44,186,390, A>G on the plus strand (T>C on the coding strand, the complement: JPH2 is on the minus strand). VCF-style: chr20-44186390-A-G. GRCh37 (hg19) VCF-style: chr20-42815030-A-G.
Other names: c.316T>C, p.Tyr106His (NM_175913.4); short protein forms Y106H.
Identifiers: ClinVar variation 1728423 (VCV001728423.3), dbSNP rs1165983913, ClinGen allele CA409095061.
Genomic context (GRCh38, chr20:44,186,390, plus strand): 5'-CATCAGCATAGGTCTCGGTGCCATAGCCGTCTTGCAGGCCATTGTTCCAGGTGCCCTCAT[A>G]CTTGGCACCGCTGCTTGAGCTCTGCCGGATTCCGTAGCGTCCCTTGAAGCCATGTGTCCA-3'
Protein context (NP_065166.2, residues 96-116): IRQSSSSGAK[Tyr106His]EGTWNNGLQD

ClinVar aggregate classification (germline): Uncertain significance. Review status: criteria provided, multiple submitters, no conflicts (2 of 4 stars). 2 submissions from 2 submitters: Uncertain significance (2). Last evaluated 2025-12-15.

Conditions:
Cardiovascular phenotype. Identifiers: MedGen CN230736.
Hypertrophic cardiomyopathy. Also called: HYPERTROPHIC MYOCARDIOPATHY. Identifiers: Orphanet 217569, MedGen C0007194, MeSH D002312, MONDO:0005045, HP:0001639.

Allele frequency attached by ClinVar (database versions not stated): gnomAD exomes 0.00001; TOPMed 0.00001.
gnomAD v4.1: 8 of 1,612,892 alleles (0.0005%); highest among the groups gnomAD compares: Non-Finnish European, 0.00068%; no homozygotes.

Submissions (2):

Labcorp Genetics (formerly Invitae), Labcorp
Classification: Uncertain significance for Hypertrophic cardiomyopathy. Last evaluated: 2025-12-15. Review status: criteria provided, single submitter. Criteria: Invitae Variant Classification Sherloc (09022015). Collection method: clinical testing. Allele origin: germline.
Comment: This sequence change replaces tyrosine, which is neutral and polar, with histidine, which is basic and polar, at codon 106 of the JPH2 protein (p.Tyr106His). This variant is not present in population databases (gnomAD no frequency). This variant has not been reported in the literature in individuals affected with JPH2-related conditions. ClinVar contains an entry for this variant (Variation ID: 1728423). An algorithm developed to predict the effect of missense changes on protein structure and function (PolyPhen-2) suggests that this variant is likely to be disruptive. In summary, the available evidence is currently insufficient to determine the role of this variant in disease. Therefore, it has been classified as a Variant of Uncertain Significance.

Ambry Genetics
Classification: Uncertain significance for Cardiovascular phenotype. Last evaluated: 2021-12-07. Review status: criteria provided, single submitter. Criteria: Ambry Variant Classification Scheme 2023. Collection method: clinical testing. Allele origin: germline.
Comment: The p.Y106H variant (also known as c.316T>C), located in coding exon 1 of the JPH2 gene, results from a T to C substitution at nucleotide position 316. The tyrosine at codon 106 is replaced by histidine, an amino acid with similar properties. This amino acid position is conserved. In addition, this alteration is predicted to be deleterious by in silico analysis. Since supporting evidence is limited at this time, the clinical significance of this alteration remains unclear.